The following is an entry in ClinVar:

NM_000532.5(PCCB):c.1351dup (p.Thr451fs)

Gene: PCCB (propionyl-CoA carboxylase subunit beta; plus strand). Cytogenetic location: 3q22.3.
Variant type: Duplication.
Coding change: c.1351dup on transcript NM_000532.5 (MANE Select); coding-DNA position 1351, one base duplicated (A; older notation c.1351dupA).
Protein change: p.Thr451fs; shifts the reading frame from threonine 451.
Molecular consequence: frameshift variant.
Genome position (GRCh38, 1-based): chr3:136,327,685, A duplicated. VCF-style (leftmost placement, unchanged base first): chr3-136327684-T-TA. GRCh37 (hg19) VCF-style: chr3-136046526-T-TA.
Other names: c.1411dup, p.Thr471fs (NM_001178014.2); short protein forms T451fs, T471fs.
Identifiers: ClinVar variation 3720539 (VCV003720539.3).
Genomic context (GRCh38, chr3:136,327,684, plus strand): 5'-TCTGTTTTAGGCCTATGGAGGTGCCTATGATGTCATGAGCTCTAAGCACCTTTGTGGTGA[T>TA]ACCAACTATGCCTGGCCCACCGCAGAGATTGCAGTCATGGGAGCAAAGGTGAGGGCCTCT-3'

ClinVar aggregate classification (germline): Pathogenic. Review status: criteria provided, multiple submitters, no conflicts (2 of 4 stars). 2 submissions from 2 submitters: Pathogenic (2). Last evaluated 2026-01-29.

Conditions:
Propionic acidemia (PROP). Also called: GLYCINEMIA, KETOTIC; HYPERGLYCINEMIA WITH KETOACIDOSIS AND LEUKOPENIA; KETOTIC HYPERGLYCINEMIA. Identifiers: Orphanet 35, MedGen C0268579, MONDO:0011628, OMIM 606054, HP:0003571.

Submissions (2):

Myriad Genetics, Inc.
Classification: Pathogenic for Propionic acidemia. Last evaluated: 2026-01-29. Review status: criteria provided, single submitter. Criteria: Myriad Autosomal Dominant, Autosomal Recessive and X-Linked Classification Criteria (2023). Collection method: clinical testing. Allele origin: unknown.
Comment: NM_000532.4(PCCB):c.1351dupA(T451Nfs*27) is a frameshift variant classified as pathogenic in the context of PCCB-related propionic acidemia. T451Nfs*27 has been observed in a case with relevant disease (PMID: 22033733). Relevant functional assessments of this variant are not available in the literature. T451Nfs*27 has not been observed in referenced population frequency databases. In summary, NM_000532.4(PCCB):c.1351dupA(T451Nfs*27) is a frameshift variant in a gene where loss of function is a known mechanism of disease, is predicted to disrupt protein function, and has been observed more frequently in cases with the relevant disease than in healthy populations. Please note: this variant was assessed in the context of healthy population screening.

Labcorp Genetics (formerly Invitae), Labcorp
Classification: Pathogenic for Propionic acidemia. Last evaluated: 2024-12-15. Review status: criteria provided, single submitter. Criteria: Invitae Variant Classification Sherloc (09022015). Collection method: clinical testing. Allele origin: germline.
Comment: This sequence change creates a premature translational stop signal (p.Thr451Asnfs*27) in the PCCB gene. It is expected to result in an absent or disrupted protein product. Loss-of-function variants in PCCB are known to be pathogenic (PMID: 15464417). This variant is not present in population databases (gnomAD no frequency). This premature translational stop signal has been observed in individual(s) with propionic acidemia (PMID: 22033733). For these reasons, this variant has been classified as Pathogenic.

Literature cited by the submitters: PubMed 22033733 (cited by Myriad Genetics, Inc. and Labcorp Genetics (formerly Invitae), Labcorp); PubMed 15464417 (cited by Labcorp Genetics (formerly Invitae), Labcorp).